The following is an entry in ClinVar:

NM_000368.5(TSC1):c.624T>A (p.Ser208Arg)

Gene: TSC1 (TSC complex subunit 1; minus strand). Cytogenetic location: 9q34.13.
Variant type: single nucleotide variant.
Coding change: c.624T>A on transcript NM_000368.5 (MANE Select); coding-DNA position 624, T replaced by A.
Protein change: p.Ser208Arg; replaces serine 208 with arginine.
Molecular consequence: missense variant. On other transcripts: 5 prime UTR variant (5), non-coding transcript variant (5).
Genome position (GRCh38, 1-based): chr9:132,921,858, A>T on the plus strand (T>A on the coding strand, the complement: TSC1 is on the minus strand). VCF-style: chr9-132921858-A-T. GRCh37 (hg19) VCF-style: chr9-135797245-A-T.
Other names: c.471T>A, p.Ser157Arg (NM_001406612.1, NM_001406613.1, NM_001162427.2 and 2 more transcripts); c.261T>A, p.Ser87Arg (NM_001406614.1, NM_001406615.1, NM_001406616.1 and 10 more transcripts); c.624T>A, p.Ser208Arg (NM_001162426.2, NM_001406592.1, NM_001406593.1 and 16 more transcripts); c.-254T>A (NM_001406626.1, NM_001406627.1, NM_001406628.1); c.-396T>A (NM_001406629.1); c.-470T>A (NM_001406630.1); short protein forms S157R, S208R, S87R.
Identifiers: ClinVar variation 5031272 (VCV005031272.1).

ClinVar aggregate classification (germline): Uncertain significance (1 of 4 stars; one submission).

Conditions:
Hereditary cancer-predisposing syndrome. Also called: Neoplastic Syndromes, Hereditary; Tumor predisposition; Hereditary neoplastic syndrome; Hereditary Cancer Syndrome. Identifiers: Orphanet 140162, MedGen C0027672, MeSH D009386, MONDO:0015356.

Submission:

Ambry Genetics
Classification: Uncertain significance for Hereditary cancer-predisposing syndrome. Last evaluated: 2026-08-31. Review status: criteria provided, single submitter. Criteria: Ambry Variant Classification Scheme 2023. Collection method: clinical testing. Allele origin: germline.
Comment: The p.S208R variant (also known as c.624T>A), located in coding exon 5 of the TSC1 gene, results from a T to A substitution at nucleotide position 624. The serine at codon 208 is replaced by arginine, an amino acid with dissimilar properties. This amino acid position is conserved. In addition, this alteration is predicted to be deleterious by in silico analysis. Based on the available evidence, the clinical significance of this variant remains unclear.